The following is an entry in ClinVar:

NM_024685.4(BBS10):c.*805T>C

Gene: BBS10 (Bardet-Biedl syndrome 10; minus strand). Cytogenetic location: 12q21.2.
Variant type: single nucleotide variant.
Coding change: c.*805T>C on transcript NM_024685.4 (MANE Select); 805 bases downstream of the stop codon, T replaced by C.
Molecular consequence: 3 prime UTR variant.
Genome position (GRCh38, 1-based): chr12:76,345,008, A>G on the plus strand (T>C on the coding strand, the complement: BBS10 is on the minus strand). VCF-style: chr12-76345008-A-G. GRCh37 (hg19) VCF-style: chr12-76738788-A-G.
Other names: c.*805T>C (LRG_1255t1).
Identifiers: ClinVar variation 310478 (VCV000310478.6), dbSNP rs73390067, ClinGen allele CA10642482.

ClinVar aggregate classification (germline): Benign. Review status: criteria provided, multiple submitters, no conflicts (2 of 4 stars). 2 submissions from 2 submitters: Benign (2). Last evaluated 2018-01-12.

Conditions:
Bardet-Biedl syndrome 10 (BBS10). Identifiers: Orphanet 110, MedGen C1859568, MONDO:0014438, OMIM 615987.

Allele frequency attached by ClinVar (database versions not stated): gnomAD 0.03990 and 0.04252; 1000 Genomes Project 30x 0.04450; 1000 Genomes Project 0.04093; TOPMed 0.04605.

Submissions (2):

Illumina Laboratory Services, Illumina
Classification: Benign for Bardet-Biedl syndrome 10. Last evaluated: 2018-01-12. Review status: criteria provided, single submitter. Criteria: ICSL Variant Classification Criteria 13 December 2019. Collection method: clinical testing. Allele origin: germline.
Comment: This variant was observed in the ICSL laboratory as part of a predisposition screen in an ostensibly healthy population. It had not been previously curated by ICSL or reported in the Human Gene Mutation Database (HGMD: prior to June 1st, 2018), and was therefore a candidate for classification through an automated scoring system. Utilizing variant allele frequency, disease prevalence and penetrance estimates, and inheritance mode, an automated score was calculated to assess if this variant is too frequent to cause the disease. Based on the score and internal cut-off values, a variant classified as benign is not then subjected to further curation. The score for this variant resulted in a classification of benign for this disease.

Breakthrough Genomics
Classification: Benign. Review status: criteria provided, single submitter. Criteria: ACMG Guidelines, 2015. Collection method: not provided. Allele origin: germline. Inheritance: Autosomal recessive inheritance. Affected: yes.